The following is an entry in ClinVar:

ClinVar aggregate classification (germline): Likely benign. Review status: criteria provided, single submitter (1 of 4 stars). 2 submissions from 2 submitters: Likely benign (1). 1 of the submissions does not count toward it. Last evaluated 2024-10-08.

Conditions:
RECQL4-related disorder. Also called: RECQL4-related disorders; RECQL4-related condition.
Baller-Gerold syndrome (BGS). Also called: CRANIOSYNOSTOSIS WITH RADIAL DEFECTS. Identifiers: Orphanet 1225, MedGen C0265308, MONDO:0009039, OMIM 218600.

gnomAD v4.1: 13 of 1,570,412 alleles (0.00083%); highest among the groups gnomAD compares: African/African-American, 0.0054%; no homozygotes.

Submissions (2):

Labcorp Genetics (formerly Invitae), Labcorp
Classification: Likely benign for Baller-Gerold syndrome. Last evaluated: 2024-10-08. Review status: criteria provided, single submitter. Criteria: Invitae Variant Classification Sherloc (09022015). Collection method: clinical testing. Allele origin: germline.

PreventionGenetics, part of Exact Sciences
Classification: Likely benign for RECQL4-related condition. Last evaluated: 2019-03-08. Review status: no assertion criteria provided. Collection method: clinical testing. Allele origin: germline. Not counted in ClinVar's aggregate classification.
Comment: This variant is classified as likely benign based on ACMG/AMP sequence variant interpretation guidelines (Richards et al. 2015 PMID: 25741868, with internal and published modifications).

NM_004260.4(RECQL4):c.2601C>T (p.Ala867=)

Gene: RECQL4 (RecQ like helicase 4; minus strand). Cytogenetic location: 8q24.3.
Variant type: single nucleotide variant.
Coding change: c.2601C>T on transcript NM_004260.4 (MANE Select); coding-DNA position 2601, C replaced by T.
Protein change: p.Ala867=; no amino-acid change (alanine 867 retained).
Molecular consequence: synonymous variant.
Genome position (GRCh38, 1-based): chr8:144,513,001, G>A on the plus strand (C>T on the coding strand, the complement: RECQL4 is on the minus strand). VCF-style: chr8-144513001-G-A. GRCh37 (hg19) VCF-style: chr8-145738384-G-A.
Other names: c.2601C>T (NM_004260.3).
Identifiers: ClinVar variation 1081164 (VCV001081164.9), dbSNP rs34358597, ClinGen allele CA4948174.